The following is an entry in ClinVar:

ClinVar aggregate classification (germline): Likely pathogenic. Review status: reviewed by expert panel (3 of 4 stars). 2 submissions from 2 submitters: Likely pathogenic (1). 1 of the submissions does not count toward it. Last evaluated 2020-01-26.

Conditions:
Phenylketonuria (PKU). Also called: FOLLING DISEASE; Phenylketonuria (PKU); OLIGOPHRENIA PHENYLPYRUVICA; Phenylketonurias. Identifiers: Orphanet 716, MedGen C0031485, MONDO:0009861, OMIM 261600. Disease mechanism: loss of function.

Submissions (2):

ClinGen PAH Variant Curation Expert Panel
Classification: Likely pathogenic for Phenylketonuria. Last evaluated: 2020-01-26. Review status: reviewed by expert panel. Criteria: ClinGen PAH ACMG Specifications v1. Collection method: curation. Allele origin: germline. Inheritance: Autosomal recessive inheritance.
Comment: The c.443G>A (p.Gly148Asp) variant in PAH has been reported in multiple individuals with PKU (BH4 deficiency excluded). (PMID: 21147011, 15589814). This variant is absent in population databases (PM2). This variant was detected with pathogenic variant IVS4nt5G>T (c.441+5G>T). Computational evidence supports a deleterious effect. In summary, this variant meets criteria to be classified as likely pathogenic for PAH. PAH-specific ACMG/AMP criteria applied: PP4_Moderate, PM2, PM3_supporting, PP3.

Labcorp Genetics (formerly Invitae), Labcorp
Classification: Likely pathogenic for Phenylketonuria. Last evaluated: 2021-05-26. Review status: criteria provided, single submitter. Criteria: Invitae Variant Classification Sherloc (09022015). Collection method: clinical testing. Allele origin: germline. Not counted in ClinVar's aggregate classification.
Comment: This variant is not present in population databases (ExAC no frequency). This variant has been observed in individual(s) with phenylketonuria (PMID: 15589814, 21147011). ClinVar contains an entry for this variant (Variation ID: 872837). Algorithms developed to predict the effect of missense changes on protein structure and function are either unavailable or do not agree on the potential impact of this missense change (SIFT: "Not Available"; PolyPhen-2: "Probably Damaging"; Align-GVGD: "Not Available"). This variant disrupts the p.Gly148 amino acid residue in PAH. Other variant(s) that disrupt this residue have been determined to be pathogenic (PMID: 8535445, 7726156, 9012412, 10679941, Invitae). This suggests that this residue is clinically significant, and that variants that disrupt this residue are likely to be disease-causing. In summary, the currently available evidence indicates that the variant is pathogenic, but additional data are needed to prove that conclusively. Therefore, this variant has been classified as Likely Pathogenic. This sequence change replaces glycine with aspartic acid at codon 148 of the PAH protein (p.Gly148Asp). The glycine residue is highly conserved and there is a moderate physicochemical difference between glycine and aspartic acid.

Literature cited by the submitters: PubMed 21147011 (cited by ClinGen PAH Variant Curation Expert Panel and Labcorp Genetics (formerly Invitae), Labcorp); PubMed 15589814 (cited by ClinGen PAH Variant Curation Expert Panel and Labcorp Genetics (formerly Invitae), Labcorp); PubMed 8535445 (cited by Labcorp Genetics (formerly Invitae), Labcorp); PubMed 7726156 (cited by Labcorp Genetics (formerly Invitae), Labcorp); PubMed 9012412 (cited by Labcorp Genetics (formerly Invitae), Labcorp); PubMed 10679941 (cited by Labcorp Genetics (formerly Invitae), Labcorp).

NM_000277.3(PAH):c.443G>A (p.Gly148Asp)

Gene: PAH (phenylalanine hydroxylase; minus strand). Cytogenetic location: 12q23.2.
Variant type: single nucleotide variant.
Coding change: c.443G>A on transcript NM_000277.3 (MANE Select); coding-DNA position 443, G replaced by A.
Protein change: p.Gly148Asp; replaces glycine 148 with aspartic acid.
Molecular consequence: missense variant.
Genome position (GRCh38, 1-based): chr12:102,866,662, C>T on the plus strand (G>A on the coding strand, the complement: PAH is on the minus strand). VCF-style: chr12-102866662-C-T. GRCh37 (hg19) VCF-style: chr12-103260440-C-T.
Other names: c.443G>A, p.Gly148Asp (NM_001354304.2); short protein forms G148D.
Identifiers: ClinVar variation 872837 (VCV000872837.7), dbSNP rs1555205655, ClinGen allele CA16020790.